The following is an entry in ClinVar:

ClinVar aggregate classification (germline): Uncertain significance (1 of 4 stars; one submission).

Conditions:
Early-infantile DEE. Also called: Early infantile epileptic encephalopathy; Ohtahara syndrome; Early infantile epileptic encephalopathy with suppression bursts. Identifiers: Orphanet 1934, MedGen C0393706, MONDO:0800491.

Submission:

Labcorp Genetics (formerly Invitae), Labcorp
Classification: Uncertain significance for Early-infantile DEE. Last evaluated: 2025-11-17. Review status: criteria provided, single submitter. Criteria: Invitae Variant Classification Sherloc (09022015). Collection method: clinical testing. Allele origin: germline.
Comment: This sequence change falls in intron 20 of the SCN1A gene. It does not directly change the encoded amino acid sequence of the SCN1A protein. However, this sequence change falls within a region encompassing a cryptic exon in the SCN1A gene, in which variants have been shown to alter splicing (PMID: 30526861, 34107977). This variant is not present in population databases (gnomAD no frequency). This variant has not been reported in the literature in individuals affected with SCN1A-related conditions. ClinVar contains an entry for this variant (Variation ID: 1942578). Algorithms developed to predict the effect of sequence changes on RNA splicing suggest that this variant is not likely to affect RNA splicing. In summary, the available evidence is currently insufficient to determine the role of this variant in disease. Therefore, it has been classified as a Variant of Uncertain Significance.

Literature cited by the submitters: PubMed 30526861; PubMed 34107977.

NM_001165963.4(SCN1A):c.4002+2213_4002+2215del

Genes: SCN1A (sodium voltage-gated channel alpha subunit 1; minus strand), LOC102724058 (uncharacterized LOC102724058; plus strand). Cytogenetic location: 2q24.3.
Variant type: Deletion.
Coding change: c.4002+2213_4002+2215del on transcript NM_001165963.4 (MANE Select); bases 2213 to 2215 of the intron after coding-DNA position 4002, 3 bases deleted (CGT; older notation c.4002+2213_4002+2215delCGT).
Molecular consequence: intron variant.
Genome position (GRCh38, 1-based): chr2:166,007,504-166,007,506, ACG deleted on the plus strand (CGT on the coding strand, the reverse complement: SCN1A is on the minus strand); deleting any 3 consecutive bases within chr2:166,007,504-166,007,508 gives the same sequence; the c. name uses the placement nearest the transcript's 3' end. VCF-style (leftmost placement, unchanged base first): chr2-166007503-CACG-C. GRCh37 (hg19) VCF-style: chr2-166864013-CACG-C.
Other names: c.3969+2213_3969+2215del (NM_001353949.2, NM_001353950.2, NM_001353951.2 and 2 more transcripts); c.3918+2213_3918+2215del (NM_001353958.2, NM_001353957.2, NM_001165964.3); c.4002+2213_4002+2215del (NM_001202435.3, NM_001353948.2); c.3966+2213_3966+2215del (NM_001353955.2, NM_001353954.2); c.3915+2213_3915+2215del (NM_001353960.2); c.1560+2213_1560+2215del (NM_001353961.2).
Identifiers: ClinVar variation 1942578 (VCV001942578.5), dbSNP rs968976292, ClinGen allele CA59771641.